The following is an entry in ClinVar:

ClinVar aggregate classification (germline): Benign (1 of 4 stars; one submission).

gnomAD v4.1: 1,430 of 1,614,046 alleles (0.089%); highest among the groups gnomAD compares: South Asian, 1.5%; 27 homozygotes.

Submission:

CeGaT Center for Human Genetics Tuebingen
Classification: Benign. Last evaluated: 2026-08-01. Review status: criteria provided, single submitter. Criteria: CeGaT Center For Human Genetics Tuebingen Variant Classification Criteria Version 2. Collection method: clinical testing. Allele origin: germline. Affected: yes. Observed: 3 variant alleles.
Comment: SRRM2: BS1, BS2

NM_016333.4(SRRM2):c.2044C>T (p.Arg682Cys)

Gene: SRRM2 (serine/arginine repetitive matrix 2; plus strand). Cytogenetic location: 16p13.3.
Variant type: single nucleotide variant.
Coding change: c.2044C>T on transcript NM_016333.4 (MANE Select); coding-DNA position 2044, C replaced by T.
Protein change: p.Arg682Cys; replaces arginine 682 with cysteine.
Molecular consequence: missense variant.
Genome position (GRCh38, 1-based): chr16:2,762,572, C>T. VCF-style: chr16-2762572-C-T. GRCh37 (hg19) VCF-style: chr16-2812573-C-T.
Other names: short protein forms R682C.
Identifiers: ClinVar variation 4533954 (VCV004533954.6).